The following is an entry in ClinVar:

ClinVar aggregate classification (germline): Pathogenic (1 of 4 stars; one submission).

Conditions:
Early-infantile DEE. Also called: Early infantile epileptic encephalopathy; Early infantile epileptic encephalopathy with suppression bursts; Ohtahara syndrome. Identifiers: Orphanet 1934, MedGen C0393706, MONDO:0800491.

Submission:

Labcorp Genetics (formerly Invitae), Labcorp
Classification: Pathogenic for Early-infantile DEE. Last evaluated: 2017-12-24. Review status: criteria provided, single submitter. Criteria: Invitae Variant Classification Sherloc (09022015). Collection method: clinical testing. Allele origin: germline.
Comment: For these reasons, this variant has been classified as Pathogenic. Loss-of-function variants in SCN1A are known to be pathogenic (PMID: 17347258, 18930999). Algorithms developed to predict the effect of sequence changes on RNA splicing suggest that this variant may create or strengthen a splice site, but this prediction has not been confirmed by published transcriptional studies. This variant has not been reported in the literature in individuals with SCN1A-related disease. This variant is not present in population databases (ExAC no frequency). This sequence change creates a premature translational stop signal (p.Met1333*) in the SCN1A gene. It is expected to result in an absent or disrupted protein product.

Literature cited by the submitters: PubMed 17347258; PubMed 18930999.

NM_001165963.4(SCN1A):c.3997del (p.Gly1332_Met1333insTer)

Genes: SCN1A (sodium voltage-gated channel alpha subunit 1; minus strand), LOC102724058 (uncharacterized LOC102724058; plus strand). Cytogenetic location: 2q24.3.
Variant type: Deletion.
Coding change: c.3997del on transcript NM_001165963.4 (MANE Select); coding-DNA position 3997, one base deleted (A; older notation c.3997delA).
Protein change: p.Gly1332_Met1333insTer.
Molecular consequence: nonsense. On other transcripts: non-coding transcript variant (1).
Genome position (GRCh38, 1-based): chr2:166,009,724, T deleted on the plus strand (A on the coding strand, the reverse complement: SCN1A is on the minus strand). VCF-style (leftmost placement, unchanged base first): chr2-166009723-AT-A. GRCh37 (hg19) VCF-style: chr2-166866233-AT-A.
Other names: c.3913del, p.Gly1304_Met1305insTer (NM_001165964.3, NM_001353957.2, NM_001353958.2); c.3997del, p.Gly1332_Met1333insTer (NM_001202435.3, NM_001353948.2); c.3964del, p.Gly1321_Met1322insTer (NM_001353949.2, NM_001353950.2, NM_001353951.2 and 2 more transcripts); c.3961del, p.Gly1320_Met1321insTer (NM_001353954.2, NM_001353955.2); c.3910del, p.Gly1303_Met1304insTer (NM_001353960.2); c.1555del, p.Gly518_Met519insTer (NM_001353961.2).
Identifiers: ClinVar variation 530413 (VCV000530413.7), dbSNP rs1553529426, ClinGen allele CA658795910.